The following is an entry in ClinVar:

ClinVar aggregate classification (germline): Uncertain significance. Review status: criteria provided, multiple submitters, no conflicts (2 of 4 stars). 3 submissions from 3 submitters: Uncertain significance (3). Last evaluated 2025-08-09.

Conditions:
Sitosterolemia 2. Identifiers: MedGen C5231453, MONDO:0020748, OMIM 618666.
ABCG5-related disorder. Also called: ABCG5-related condition.
Sitosterolemia (STSL). Also called: PHYTOSTEROLEMIA. Identifiers: Orphanet 2882, MedGen C0342907, MONDO:0008863.

Allele frequency attached by ClinVar (database versions not stated): gnomAD exomes 0.00002; gnomAD 0.00004; TOPMed 0.00003.
gnomAD v4.1: 30 of 1,613,972 alleles (0.0019%); highest among the groups gnomAD compares: Middle Eastern, 0.066%; no homozygotes.

Submissions (3):

Labcorp Genetics (formerly Invitae), Labcorp
Classification: Uncertain significance for Sitosterolemia. Last evaluated: 2025-08-09. Review status: criteria provided, single submitter. Criteria: Invitae Variant Classification Sherloc (09022015). Collection method: clinical testing. Allele origin: germline.
Comment: This sequence change replaces asparagine, which is neutral and polar, with serine, which is neutral and polar, at codon 285 of the ABCG5 protein (p.Asn285Ser). This variant is present in population databases (no rsID available, gnomAD 0.006%). This variant has not been reported in the literature in individuals affected with ABCG5-related conditions. ClinVar contains an entry for this variant (Variation ID: 2690816). An algorithm developed to predict the effect of missense changes on protein structure and function outputs the following: PolyPhen-2: "Benign". The serine amino acid residue is found in multiple mammalian species, which suggests that this missense change does not adversely affect protein function. In summary, the available evidence is currently insufficient to determine the role of this variant in disease. Therefore, it has been classified as a Variant of Uncertain Significance.

PreventionGenetics, part of Exact Sciences
Classification: Uncertain significance for ABCG5-related condition. Last evaluated: 2025-01-13. Review status: criteria provided, single submitter. Criteria: ACMG Guidelines, 2015. Collection method: clinical testing. Allele origin: germline.
Comment: The ABCG5 c.854A>G variant is predicted to result in the amino acid substitution p.Asn285Ser. To our knowledge, this variant has not been reported in the literature. This variant is reported in 0.0065% of alleles in individuals of South Asian descent in gnomAD. At this time, the clinical significance of this variant is uncertain due to the absence of conclusive functional and genetic evidence.

Revvity Omics, Revvity
Classification: Uncertain significance for Sitosterolemia 2. Last evaluated: 2023-05-16. Review status: criteria provided, single submitter. Criteria: ACMG Guidelines, 2015. Collection method: clinical testing. Allele origin: germline.

NM_022436.3(ABCG5):c.854A>G (p.Asn285Ser)

Genes: ABCG5 (ATP binding cassette subfamily G member 5; minus strand), DYNC2LI1 (dynein cytoplasmic 2 light intermediate chain 1; plus strand). Cytogenetic location: 2p21.
Variant type: single nucleotide variant.
Coding change: c.854A>G on transcript NM_022436.3 (MANE Select); coding-DNA position 854, A replaced by G.
Protein change: p.Asn285Ser; replaces asparagine 285 with serine.
Molecular consequence: missense variant. On other transcripts: intron variant (2).
Genome position (GRCh38, 1-based): chr2:43,824,939, T>C on the plus strand (A>G on the coding strand, the complement: ABCG5 is on the minus strand). VCF-style: chr2-43824939-T-C. GRCh37 (hg19) VCF-style: chr2-44052078-T-C.
Other names: c.*16-2447T>C (NM_001348913.2, NM_001348912.2); c.854A>G (NM_022436.2); short protein forms N285S.
Identifiers: ClinVar variation 2690816 (VCV002690816.3), dbSNP rs975612815, ClinGen allele CA46463384.